The following is an entry in ClinVar:

NM_000051.4(ATM):c.3402+32_3402+34del

Gene: ATM (ATM serine/threonine kinase; plus strand). Cytogenetic location: 11q22.3.
Variant type: Deletion.
Coding change: c.3402+32_3402+34del on transcript NM_000051.4 (MANE Select); bases 32 to 34 of the intron after coding-DNA position 3402, 3 bases deleted (CAT; older notation c.3402+32_3402+34delCAT).
Molecular consequence: intron variant.
Genome position (GRCh38, 1-based): chr11:108,279,640-108,279,642, CAT deleted; deleting any 3 consecutive bases within chr11:108,279,638-108,279,642 gives the same sequence; the c. name uses the placement nearest the transcript's 3' end. VCF-style (leftmost placement, unchanged base first): chr11-108279637-TATC-T. GRCh37 (hg19) VCF-style: chr11-108150364-TATC-T.
Other names: c.3402+32_3402+34delCAT (NM_000051.4); c.3402+32_3402+34del (NM_001351834.2).
Identifiers: ClinVar variation 675343 (VCV000675343.45), dbSNP rs545376366, ClinGen allele CA6265277.

ClinVar aggregate classification (germline): Benign/Likely benign. Review status: criteria provided, multiple submitters, no conflicts (2 of 4 stars). 5 submissions from 5 submitters: Benign (1); Likely benign (4). Last evaluated 2026-09-01.

Conditions:
Hereditary cancer-predisposing syndrome. Also called: Neoplastic Syndromes, Hereditary; Hereditary neoplastic syndrome; Hereditary Cancer Syndrome; Tumor predisposition. Identifiers: Orphanet 140162, MedGen C0027672, MeSH D009386, MONDO:0015356.
Ataxia-telangiectasia syndrome (AT). Also called: LOUIS-BAR SYNDROME; Cerebello-oculocutaneous telangiectasia; Immunodeficiency with ataxia telangiectasia; ATAXIA-TELANGIECTASIA, COMPLEMENTATION GROUP A; ATAXIA-TELANGIECTASIA, FRESNO VARIANT; Ataxia-telangiectasia. Identifiers: Orphanet 100, MedGen C0004135, MONDO:0008840, OMIM 208900.

Submissions (5):

CeGaT Center for Human Genetics Tuebingen
Classification: Likely benign. Last evaluated: 2026-09-01. Review status: criteria provided, single submitter. Criteria: CeGaT Center For Human Genetics Tuebingen Variant Classification Criteria Version 2. Collection method: clinical testing. Allele origin: germline. Affected: yes. Observed: 21 variant alleles.
Comment: ATM: BS2

Labcorp Genetics (formerly Invitae), Labcorp
Classification: Benign for Ataxia-telangiectasia syndrome. Last evaluated: 2025-10-01. Review status: criteria provided, single submitter. Criteria: Invitae Variant Classification Sherloc (09022015). Collection method: clinical testing. Allele origin: germline.

Center for Genomic Medicine, Rigshospitalet, Copenhagen University Hospital
Classification: Likely benign. Last evaluated: 2025-03-04. Review status: criteria provided, single submitter. Criteria: ACMG Guidelines, 2015. Collection method: clinical testing. Allele origin: germline.

Sema4
Classification: Likely benign for Hereditary cancer-predisposing syndrome. Last evaluated: 2021-07-07. Review status: criteria provided, single submitter. Criteria: Sema4 Curation Guidelines. Collection method: curation. Allele origin: germline.

GeneDx
Classification: Likely benign. Last evaluated: 2018-04-06. Review status: criteria provided, single submitter. Criteria: GeneDx Variant Classification (06012015). Collection method: clinical testing. Allele origin: germline. Affected: yes.
Comment: This variant is considered likely benign or benign based on one or more of the following criteria: it is a conservative change, it occurs at a poorly conserved position in the protein, it is predicted to be benign by multiple in silico algorithms, and/or has population frequency not consistent with disease.